The following is an entry in ClinVar:

ClinVar aggregate classification (germline): Benign (1 of 4 stars; one submission).

Allele frequency attached by ClinVar (database versions not stated): 1000 Genomes Project 0.00100; 1000 Genomes Project 30x 0.00109; ExAC 0.00113; gnomAD 0.00119; TOPMed 0.00146; ESP Exome Variant Server 0.00153.
gnomAD v4.1: 2,803 of 1,597,262 alleles (0.18%); highest among the groups gnomAD compares: Admixed American, 0.22%; 2 homozygotes.

Submission:

CeGaT Center for Human Genetics Tuebingen
Classification: Benign. Last evaluated: 2022-07-01. Review status: criteria provided, single submitter. Criteria: CeGaT Center For Human Genetics Tuebingen Variant Classification Criteria Version 2. Collection method: clinical testing. Allele origin: germline. Affected: yes. Observed: 1 variant allele.
Comment: PRKCE: BS1, BS2

NM_005400.3(PRKCE):c.966+8G>A

Gene: PRKCE (protein kinase C epsilon; plus strand). Cytogenetic location: 2p21.
Variant type: single nucleotide variant.
Coding change: c.966+8G>A on transcript NM_005400.3 (MANE Select); 8 bases into the intron after coding-DNA position 966, G replaced by A.
Molecular consequence: intron variant.
Genome position (GRCh38, 1-based): chr2:46,001,554, G>A. VCF-style: chr2-46001554-G-A. GRCh37 (hg19) VCF-style: chr2-46228693-G-A.
Identifiers: ClinVar variation 2650869 (VCV002650869.24), dbSNP rs41305977, ClinGen allele CA1644023.